The following is an entry in ClinVar:

NM_014915.3(ANKRD26):c.3021A>T (p.Glu1007Asp)

Gene: ANKRD26 (ankyrin repeat domain 26; minus strand). Cytogenetic location: 10p12.1.
Variant type: single nucleotide variant.
Coding change: c.3021A>T on transcript NM_014915.3 (MANE Select); coding-DNA position 3021, A replaced by T.
Protein change: p.Glu1007Asp; replaces glutamic acid 1007 with aspartic acid.
Molecular consequence: missense variant.
Genome position (GRCh38, 1-based): chr10:27,035,429, T>A on the plus strand (A>T on the coding strand, the complement: ANKRD26 is on the minus strand). VCF-style: chr10-27035429-T-A. GRCh37 (hg19) VCF-style: chr10-27324358-T-A.
Other names: c.3018A>T, p.Glu1006Asp (NM_001256053.2); short protein forms E1006D, E1007D.
Identifiers: ClinVar variation 5023440 (VCV005023440.1).
Genomic context (GRCh38, chr10:27,035,429, plus strand): 5'-TTTTGATGTCTCACTTTGATCACGATCATGTATAGCAGCAGCCAATCTAGAATGGTATGA[T>A]TCAACTTCTGCTTCCAGTCTTTCCTTGCTTTGCTTTTCATTCTCCAGTTTAGAATTTAGC-3'
Protein context (NP_055730.2, residues 997-1017): QSKERLEAEV[Glu1007Asp]SYHSRLAAAI

ClinVar aggregate classification (germline): Uncertain significance (1 of 4 stars; one submission).

Conditions:
Inborn genetic diseases. Identifiers: MedGen C0950123, MeSH D030342.

Submission:

Ambry Genetics
Classification: Uncertain significance for Inborn genetic diseases. Last evaluated: 2026-08-04. Review status: criteria provided, single submitter. Criteria: Ambry Variant Classification Scheme 2023. Collection method: clinical testing. Allele origin: germline.
Comment: The p.E1007D variant (also known as c.3021A>T), located in coding exon 24 of the ANKRD26 gene, results from an A to T substitution at nucleotide position 3021. The glutamic acid at codon 1007 is replaced by aspartic acid, an amino acid with highly similar properties. This amino acid position is conserved. In addition, this alteration is predicted to be tolerated by in silico analysis. Based on the available evidence, the clinical significance of this variant remains unclear.